The following is an entry in ClinVar:

ClinVar aggregate classification (germline): Uncertain significance (1 of 4 stars; one submission).

Submission:

Mayo Clinic Laboratories, Mayo Clinic
Classification: Uncertain significance. Last evaluated: 2022-12-15. Review status: criteria provided, single submitter. Criteria: ACMG Guidelines, 2015. Collection method: clinical testing. Allele origin: germline. Observed: 1 variant allele.
Comment: PP3, PM1, PM2_supporting

NM_001065.4(TNFRSF1A):c.373T>G (p.Cys125Gly)

Gene: TNFRSF1A (TNF receptor superfamily member 1A; minus strand). Cytogenetic location: 12p13.31.
Variant type: single nucleotide variant.
Coding change: c.373T>G on transcript NM_001065.4 (MANE Select); coding-DNA position 373, T replaced by G.
Protein change: p.Cys125Gly; replaces cysteine 125 with glycine.
Molecular consequence: missense variant. On other transcripts: 5 prime UTR variant (1), non-coding transcript variant (1).
Genome position (GRCh38, 1-based): chr12:6,333,466, A>C on the plus strand (T>G on the coding strand, the complement: TNFRSF1A is on the minus strand). VCF-style: chr12-6333466-A-C. GRCh37 (hg19) VCF-style: chr12-6442632-A-C.
Other names: p.Cys125Gly; c.49T>G, p.Cys17Gly (NM_001346091.2); c.-205T>G (NM_001346092.2); short protein forms C125G, C17G.
Identifiers: ClinVar variation 2683183 (VCV002683183.1), dbSNP rs2497799233, ClinGen allele CA383550183.
Genomic context (GRCh38, chr12:6,333,466, plus strand): 5'-TGAAGCACTGGAAAAGGTTTTCACTCCAATAATGCCGGTACTGGTTCTTCCTGCAGCCAC[A>C]CACGGTGTCCCGGTCCACTGTGCAAGAAGAGATCTCCACCTGACCCATTTCTGGTGAGGG-3'
Protein context (NP_001056.1, residues 115-135): SSCTVDRDTV[Cys125Gly]GCRKNQYRHY